The following is an entry in ClinVar:

NM_005629.4(SLC6A8):c.263-1G>C

Gene: SLC6A8 (solute carrier family 6 member 8; plus strand). Cytogenetic location: Xq28.
Variant type: single nucleotide variant.
Coding change: c.263-1G>C on transcript NM_005629.4 (MANE Select); the canonical splice acceptor site of the intron before coding-DNA position 263, G replaced by C.
Molecular consequence: splice acceptor variant.
Genome position (GRCh38, 1-based): chrX:153,690,374, G>C. VCF-style: chrX-153690374-G-C. GRCh37 (hg19) VCF-style: chrX-152955829-G-C.
Other names: NM_001142805.2:c.263-1G>C; c.263-1G>C (NM_001142805.2); c.-83-1G>C (NM_001142806.1).
Identifiers: ClinVar variation 4537503 (VCV004537503.1).

ClinVar aggregate classification (germline): Pathogenic (3 of 4 stars; one submission).

Conditions:
Creatine transporter deficiency (CCDS1). Also called: Mental retardation , X-linked with seizures, short stature and midface hypoplasia; Mental retardation , X-linked, with creatine transport deficiency; X-linked creatine transporter deficiency; X-linked creatine deficiency syndrome; SLC6A8-Related Creatine Transporter Deficiency; CREATINE TRANSPORTER DEFECT. Identifiers: Orphanet 52503, MedGen C1845862, MONDO:0010305, OMIM 300352.

Submission:

ClinGen Cerebral Creatine Deficiency Syndromes Variant Curation Expert Panel, ClinGen
Classification: Pathogenic for Creatine transporter deficiency. Last evaluated: 2024-12-12. Review status: reviewed by expert panel. Criteria: ClinGen_CCDS_ACMG_Specifications_SLC6A8_v1.1. Collection method: curation. Allele origin: germline. Inheritance: X-linked inheritance.
Comment: The NM_005629.4:c.263-1G>C variant in SLC6A8 occurs within the canonical splice acceptor site of intron 1. RT-PCR revealed skipping of the first 21 amino acids of exon 2 (r.263_325del; p.Gly88_Leu108del) for 90% of transcripts and wild type splicing for about 10% of transcripts (PMID: 20717164).While this is <10% of the protein length, the region includes Phe107. The variant p.Phe107del is pathogenic based on classification by the ClinGen CCDS VCEP (ClinVar Variation ID: 21448, SCV002600174.1) indicating that Phe107 is an important residue for creatine transporter function. Therefore, PVS1 will be applied at strong rather than moderate (PVS1_Strong). The variant appears to be de novo in this patient; maternity and paternity were not confirmed (PMID: 20717164) (PM6). The variant is absent in gnomAD v2.1.1. and v4.1.0. (PM2_Supporting). Another variant at the same acceptor splice site dinucleotide, c.263-2A>G has been reported in an affected individual and has a similar impact on splicing as shown by RT-PCR (PMID: 20717164). That variant, c.263-2A>G, been classified as pathogenic by the ClinGen Cerebral Creatine Deficiency Syndromes Variant Curation Expert Panel (CCDS VCEP) (ClinVar Variation ID: 11701), which allows PS1 to be applied (PMID: 37352859). In summary, this variant meets the criteria to be classified as pathogenic for X-linked creatine transporter deficiency. SLC6A8-specific ACMG/AMP criteria applied, as specified by the ClinGen CCDS VCEP (Specifications Version 1.1.0): PS1, PVS1_Strong, PM6, PP4, PM2_Supporting. (Classification approved by the ClinGen Cerebral Creatine Deficiency Syndromes Variant Curation Expert Panel on December 12, 2024).